The following is an entry in ClinVar:

NM_004329.3(BMPR1A):c.1006del (p.Tyr336fs)

Gene: BMPR1A (bone morphogenetic protein receptor type 1A; plus strand). Cytogenetic location: 10q23.2.
Variant type: Deletion.
Coding change: c.1006del on transcript NM_004329.3 (MANE Select); coding-DNA position 1006, one base deleted (T; older notation c.1006delT).
Protein change: p.Tyr336fs; shifts the reading frame from tyrosine 336.
Molecular consequence: frameshift variant. On other transcripts: non-coding transcript variant (3).
Genome position (GRCh38, 1-based): chr10:86,919,309, T deleted; the last of 2 consecutive T bases (chr10:86,919,308-86,919,309); deleting either gives the same sequence. VCF-style (leftmost placement, unchanged base first): chr10-86919307-CT-C. GRCh37 (hg19) VCF-style: chr10-88679064-CT-C.
Other names: c.1081del, p.Tyr361fs (NM_001406559.1); c.1054del, p.Tyr352fs (NM_001406560.1); c.1006del, p.Tyr336fs (NM_001406561.1, NM_001406562.1, NM_001406563.1 and 19 more transcripts); c.1000del, p.Tyr334fs (NM_001406583.1); c.922del, p.Tyr308fs (NM_001406584.1, NM_001406585.1, NM_001406586.1 and 2 more transcripts); c.664del, p.Tyr222fs (NM_001406589.1); short protein forms Y222fs, Y308fs, Y334fs, Y336fs, Y352fs, Y361fs.
Identifiers: ClinVar variation 4850209 (VCV004850209.1).

ClinVar aggregate classification (germline): Pathogenic (1 of 4 stars; one submission).

Conditions:
Juvenile polyposis syndrome (JPS). Identifiers: Orphanet 2929, MedGen C0345893, MONDO:0017380, OMIM 174900.

Submission:

Variantyx, Inc.
Classification: Pathogenic for Juvenile polyposis syndrome. Last evaluated: 2026-01-19. Review status: criteria provided, single submitter. Criteria: Variantyx Assertion Criteria 2022. Collection method: clinical testing. Allele origin: de novo. Inheritance: Autosomal dominant inheritance. Affected: yes.
Comment: This is a frameshift variant in the BMPR1A gene (OMIM: 601299). Pathogenic variants in this gene have been associated with autosomal dominant juvenile intestinal polyposis. This variant introduces a premature termination codon in exon 10 out of 13 and is expected to result in loss of function, which is a known disease mechanism for BMPR1A in this disorder (PMID: 11381269, 15235019) (PVS1). This variant is absent from control populations (PM2) and it has not been reported in individuals with BMPR1A-related disorders in the databases available for review. Based on the current evidence, this variant is classified as pathogenic for autosomal dominant juvenile intestinal polyposis.

Literature cited by the submitters: PubMed 11381269; PubMed 15235019.